The following is an entry in ClinVar:

ClinVar aggregate classification (germline): Uncertain significance. Review status: criteria provided, multiple submitters, no conflicts (2 of 4 stars). 2 submissions from 2 submitters: Uncertain significance (2). Last evaluated 2026-04-14.

Conditions:
SEMA3C-related disorder. Also called: SEMA3C-related condition.

gnomAD v4.1: 4 of 1,604,986 alleles (0.00025%); highest among the groups gnomAD compares: African/African-American, 0.0054%; no homozygotes.

Submissions (2):

PreventionGenetics, part of Exact Sciences
Classification: Uncertain significance for SEMA3C-related condition. Last evaluated: 2026-04-14. Review status: criteria provided, single submitter. Criteria: ACMG Guidelines, 2015. Collection method: clinical testing. Allele origin: germline.
Comment: The SEMA3C c.1094C>G variant is predicted to result in the amino acid substitution p.Thr365Ser. To our knowledge, this variant has not been reported in the literature. This variant is reported in 0.0065% of alleles in individuals of African descent in gnomAD. At this time, the clinical significance of this variant is uncertain due to the absence of conclusive functional and genetic evidence.

Ambry Genetics
Classification: Uncertain significance. Last evaluated: 2025-10-01. Review status: criteria provided, single submitter. Criteria: Ambry Variant Classification Scheme 2023. Collection method: clinical testing. Allele origin: germline.

NM_006379.5(SEMA3C):c.1040C>G (p.Thr347Ser)

Gene: SEMA3C (semaphorin 3C; minus strand). Cytogenetic location: 7q21.11.
Variant type: single nucleotide variant.
Coding change: c.1040C>G on transcript NM_006379.5 (MANE Select); coding-DNA position 1040, C replaced by G.
Protein change: p.Thr347Ser; replaces threonine 347 with serine.
Molecular consequence: missense variant.
Genome position (GRCh38, 1-based): chr7:80,798,183, G>C on the plus strand (C>G on the coding strand, the complement: SEMA3C is on the minus strand). VCF-style: chr7-80798183-G-C. GRCh37 (hg19) VCF-style: chr7-80427499-G-C.
Other names: c.1094C>G (NM_001350120.1); c.1094C>G, p.Thr365Ser (NM_001350120.2); c.866C>G, p.Thr289Ser (NM_001350121.2); short protein forms T289S, T347S, T365S.
Identifiers: ClinVar variation 4582141 (VCV004582141.2).